The following is an entry in ClinVar:

ClinVar aggregate classification (germline): Uncertain significance. Review status: criteria provided, single submitter (1 of 4 stars). 2 submissions from 1 submitter: Uncertain significance (2). Last evaluated 2023-06-22.

Conditions:
Neurodevelopmental disorder with or without variable movement or behavioral abnormalities (NEDMAB). Identifiers: MedGen C5676908, MONDO:0859225, OMIM 619725.
Dystonia 34, myoclonic (DYT34). Identifiers: MedGen C5676907, MONDO:0030538, OMIM 619724.

Allele frequency attached by ClinVar (database versions not stated): gnomAD 0.00159; gnomAD exomes 0.00296; 1000 Genomes Project 0.00659.
gnomAD v4.1: 1,652 of 643,622 alleles (0.26%); highest among the groups gnomAD compares: South Asian, 3.1%; 45 homozygotes.

Submissions (2):

Neuberg Centre For Genomic Medicine, NCGM
Classification: Uncertain significance for Neurodevelopmental disorder with or without variable movement or behavioral abnormalities. Last evaluated: 2023-06-22. Review status: criteria provided, single submitter. Criteria: ACMG Guidelines, 2015. Collection method: clinical testing. Allele origin: germline. Inheritance: Autosomal dominant inheritance. Affected: yes.
Comment: The observed missense c.428A>Cp.Tyr143Ser variant in KCNN2 gene has not been reported previously as a pathogenic variant nor a benign variant, to our knowledge. The p.Tyr143Ser variant is present with allele frequency of 0.03% in gnomAD Exomes. This variant has not been submitted to the ClinVar database. Multiple lines of computational evidences SIFT - Tolerated and MutationTaster - Disease causing predict conflicting evidence on protein structure and function for this variant. The amino acid Tyr at position 143 is changed to a Ser changing protein sequence and it might alter its composition and physico-chemical properties. For these reasons, this variant has been classified as a Variant of Uncertain Significance VUS.

Neuberg Centre For Genomic Medicine, NCGM
Classification: Uncertain significance for Dystonia 34, myoclonic. Review status: criteria provided, single submitter. Criteria: ACMG Guidelines, 2015. Collection method: clinical testing. Allele origin: germline. Inheritance: Autosomal dominant inheritance. Affected: yes.
Comment: The missense variant c.428A>C p.Tyr143Ser in KCNN2 gene has not been reported previously as a pathogenic variant nor as a benign variant, to our knowledge. This variant is reported with the allele frequency 0.03% in the gnomAD Exomes and novel in 1000 Genomes. The amino acid Tyrosine at position 143 is changed to a Serine changing protein sequence and it might alter its composition and physico-chemical properties. The residue is conserved by GERP++ and PhyloP across 100 vertebrates. For these reasons, this variant has been classified as Uncertain Significance.

NM_021614.4(KCNN2):c.428A>C (p.Tyr143Ser)

Gene: KCNN2 (potassium calcium-activated channel subfamily N member 2; plus strand). Cytogenetic location: 5q22.3.
Variant type: single nucleotide variant.
Coding change: c.428A>C on transcript NM_021614.4 (MANE Select); coding-DNA position 428, A replaced by C.
Protein change: p.Tyr143Ser; replaces tyrosine 143 with serine.
Molecular consequence: missense variant. On other transcripts: non-coding transcript variant (1).
Genome position (GRCh38, 1-based): chr5:114,362,567, A>C. VCF-style: chr5-114362567-A-C. GRCh37 (hg19) VCF-style: chr5-113698264-A-C.
Other names: c.626A>C, p.Tyr209Ser (NM_001372233.1); short protein forms Y143S, Y209S.
Identifiers: ClinVar variation 3234849 (VCV003234849.3), dbSNP rs373945997, ClinGen allele CA125659904.